The following is an entry in ClinVar:

ClinVar aggregate classification (germline): Likely benign. Review status: criteria provided, single submitter (1 of 4 stars). 2 submissions from 2 submitters: Likely benign (1). 1 of the submissions does not count toward it. Last evaluated 2023-10-13.

Conditions:
EP300-related disorder. Also called: EP300-related condition; EP300-related disorders.
Rubinstein-Taybi syndrome due to EP300 haploinsufficiency. Also called: EP300-Related Rubinstein-Taybi Syndrome; RUBINSTEIN-TAYBI SYNDROME 2. Identifiers: Orphanet 353284, Orphanet 783, MedGen C3150941, MONDO:0013364, OMIM 613684.

Allele frequency attached by ClinVar (database versions not stated): gnomAD 0.00001; TOPMed 0.00001; ESP Exome Variant Server 0.00008.
gnomAD v4.1: 3 of 1,614,076 alleles (0.00019%); highest among the groups gnomAD compares: Admixed American, 0.0017%; no homozygotes.

Submissions (2):

Labcorp Genetics (formerly Invitae), Labcorp
Classification: Likely benign for Rubinstein-Taybi syndrome due to EP300 haploinsufficiency. Last evaluated: 2023-10-13. Review status: criteria provided, single submitter. Criteria: Invitae Variant Classification Sherloc (09022015). Collection method: clinical testing. Allele origin: germline.

PreventionGenetics, part of Exact Sciences
Classification: Likely benign for EP300-related condition. Last evaluated: 2023-03-14. Review status: no assertion criteria provided. Collection method: clinical testing. Allele origin: germline. Not counted in ClinVar's aggregate classification.
Comment: This variant is classified as likely benign based on ACMG/AMP sequence variant interpretation guidelines (Richards et al. 2015 PMID: 25741868, with internal and published modifications).

NM_001429.4(EP300):c.4971G>A (p.Glu1657=)

Gene: EP300 (EP300 lysine acetyltransferase; plus strand). Cytogenetic location: 22q13.2.
Variant type: single nucleotide variant.
Coding change: c.4971G>A on transcript NM_001429.4 (MANE Select); coding-DNA position 4971, G replaced by A.
Protein change: p.Glu1657=; no amino-acid change (glutamic acid 1657 retained).
Molecular consequence: synonymous variant.
Genome position (GRCh38, 1-based): chr22:41,176,438, G>A. VCF-style: chr22-41176438-G-A. GRCh37 (hg19) VCF-style: chr22-41572442-G-A.
Other names: c.4893G>A, p.Glu1631= (NM_001362843.2); c.4971G>A (NM_001429.3).
Identifiers: ClinVar variation 2906442 (VCV002906442.5), dbSNP rs140500249, ClinGen allele CA10253556.